The following is an entry in ClinVar:

NM_017777.4(MKS1):c.958G>A (p.Val320Ile)

Gene: MKS1 (MKS transition zone complex subunit 1; minus strand). Cytogenetic location: 17q22.
Variant type: single nucleotide variant.
Coding change: c.958G>A on transcript NM_017777.4 (MANE Select); coding-DNA position 958, G replaced by A.
Protein change: p.Val320Ile; replaces valine 320 with isoleucine.
Molecular consequence: missense variant.
Genome position (GRCh38, 1-based): chr17:58,210,980, C>T on the plus strand (G>A on the coding strand, the complement: MKS1 is on the minus strand). VCF-style: chr17-58210980-C-T. GRCh37 (hg19) VCF-style: chr17-56288341-C-T.
Other names: c.349G>A, p.Val117Ile (NM_001321268.2); c.958G>A, p.Val320Ile (NM_001321269.2, NM_001330397.2); short protein forms V320I, V117I.
Identifiers: ClinVar variation 56627 (VCV000056627.20), dbSNP rs386834053, ClinGen allele CA344764.

ClinVar aggregate classification (germline): Conflicting classifications of pathogenicity. Review status: criteria provided, conflicting classifications (1 of 4 stars). 10 submissions from 10 submitters: Pathogenic (2); Likely pathogenic (4); Uncertain significance (3). 1 of the submissions does not count toward it. Last evaluated 2025-07-27.

Conditions:
Leber congenital amaurosis 6 (LCA6). Identifiers: Orphanet 65, MedGen C1854260, MONDO:0013446, OMIM 613826.
Meckel syndrome, type 1 (MKS1). Also called: MECKEL-GRUBER SYNDROME, TYPE 1. Identifiers: Orphanet 564, MedGen C3714506, MONDO:0009571, OMIM 249000.
Bardet-Biedl syndrome 13 (BBS13). Identifiers: Orphanet 110, MedGen C2673873, MONDO:0014441, OMIM 615990.
Joubert syndrome 28 (JBTS28). Identifiers: MedGen C4310705, MONDO:0014928, OMIM 617121.
Joubert syndrome. Also called: JOUBERT-BOLTSHAUSER SYNDROME; Familial aplasia of the vermis. Identifiers: Orphanet 475, MedGen C5979921, MONDO:0018772.
Meckel-Gruber syndrome. Also called: Dysencephalia splachnocystica; GRUBER SYNDROME; DYSENCEPHALIA SPLANCHNOCYSTICA. Identifiers: Orphanet 564, MedGen C0265215, MONDO:0018921.

Allele frequency attached by ClinVar (database versions not stated): gnomAD 0.00002; gnomAD exomes 0.00002 and 0.00003; TOPMed 0.00001; ExAC 0.00002.
gnomAD v4.1: 49 of 1,613,750 alleles (0.003%); highest among the groups gnomAD compares: East Asian, 0.0045%; no homozygotes.

Submissions (10):

Labcorp Genetics (formerly Invitae), Labcorp
Classification: Pathogenic for Joubert syndrome; Meckel-Gruber syndrome. Last evaluated: 2025-07-27. Review status: criteria provided, single submitter. Criteria: Invitae Variant Classification Sherloc (09022015). Collection method: clinical testing. Allele origin: germline.
Comment: This sequence change affects codon 320 of the MKS1 mRNA. It is a 'silent' change, meaning that it does not change the encoded amino acid sequence of the MKS1 protein. This variant also falls at the last nucleotide of exon 10, which is part of the consensus splice site for this exon. This variant is present in population databases (rs386834053, gnomAD 0.005%). This variant has been observed in individual(s) with MKS1-related conditions (PMID: 17397051, 31191208, 35587316). In at least one individual the data is consistent with being in trans (on the opposite chromosome) from a pathogenic variant. ClinVar contains an entry for this variant (Variation ID: 56627). An algorithm developed to predict the effect of missense changes on protein structure and function (PolyPhen-2) suggests that this variant is likely to be tolerated. Variants that disrupt the consensus splice site are a relatively common cause of aberrant splicing (PMID: 17576681, 9536098). Algorithms developed to predict the effect of sequence changes on RNA splicing suggest that this variant may disrupt the consensus splice site. For these reasons, this variant has been classified as Pathogenic.

Natera, Inc.
Classification: Likely pathogenic for Meckel syndrome type 1. Last evaluated: 2025-06-26. Review status: criteria provided, single submitter. Criteria: Natera Variant Classification Schema (03/2026). Collection method: clinical testing. Allele origin: germline.
Comment: The c.958G>A variant in MKS1 is a missense variant predicted to cause substitution of valine to isoleucine at amino acid 320. This variant is rare in the general population with a frequency below the threshold expected for the associated phenotype(s). This variant has been observed in one or more individuals affected with the associated recessive disease, as either homozygous or compound heterozygous with a second variant (PMID: 35587316, 17397051). This variant has been identified in one or more affected individuals with a phenotype highly consistent with the associated gene (PMID: 17397051). Computational prediction algorithms indicate this variant is likely to affect gene or protein function. Given the available evidence, this variant is classified as Likely Pathogenic.

Fulgent Genetics
Classification: Likely pathogenic for Meckel syndrome, type 1; Bardet-Biedl syndrome 13; Joubert syndrome 28. Last evaluated: 2024-05-23. Review status: criteria provided, single submitter. Criteria: ACMG Guidelines, 2015. Collection method: clinical testing. Allele origin: germline.

Baylor Genetics
Classification: Likely pathogenic for Bardet-Biedl syndrome 13. Last evaluated: 2024-03-18. Review status: criteria provided, single submitter. Criteria: ACMG Guidelines, 2015. Collection method: clinical testing. Allele origin: unknown.

GeneDx
Classification: Pathogenic. Last evaluated: 2023-10-18. Review status: criteria provided, single submitter. Criteria: GeneDx Variant Classification Process June 2021. Collection method: clinical testing. Allele origin: germline. Affected: yes.
Comment: Alters the last nucleotide of the exon and is predicted to destroy the splice donor site and result in aberrant splicing, although in the absence of functional evidence the actual effect of this sequence change is unknown; Not observed at significant frequency in large population cohorts (gnomAD); This variant is associated with the following publications: (PMID: 25525159, 34426522, 35587316, 17397051, 19466712, 31742715, 31191208)

Blueprint Genetics
Classification: Uncertain significance. Last evaluated: 2021-08-19. Review status: criteria provided, single submitter. Criteria: ACMG Guidelines, 2015. Collection method: clinical testing. Allele origin: germline.

Eurofins Ntd Llc (ga)
Classification: Uncertain significance. Last evaluated: 2018-09-06. Review status: criteria provided, single submitter. Criteria: EGL ClinVar v180209 classification definitions. Collection method: clinical testing. Allele origin: germline. Observed: 1 variant allele, 1 heterozygote.

Diagnostics Division, CENTRE FOR DNA FINGERPRINTING AND DIAGNOSTICS
Classification: Likely pathogenic for Leber congenital amaurosis 6; Meckel syndrome, type 1. Last evaluated: 2018-01-01. Review status: criteria provided, single submitter. Criteria: ACMG Guidelines, 2015. Collection method: research. Allele origin: germline. Affected: yes. Observed: 1 homozygote.
Comment: Missense variant

Juno Genomics, Hangzhou Juno Genomics, Inc
Classification: Uncertain significance for Bardet-Biedl syndrome 13; Joubert syndrome 28; Meckel syndrome, type 1. Review status: criteria provided, single submitter. Criteria: ACMG Guidelines, 2015. Collection method: clinical testing. Allele origin: germline.
Comment: Absent from controls (or at extremely low frequency if recessive) in Genome Aggregation Database.;Multiple lines of computational evidence support a deleterious effect on the gene or gene product.;For recessive disorders, detected in trans with a pathogenic variant.;Patient's phenotype or family history is highly specific for a disease with a single genetic etiology.

Juha Muilu Group; Institute for Molecular Medicine Finland (FIMM)
Classification: Likely pathogenic for Meckel syndrome type1. Review status: no assertion criteria provided. Collection method: not provided. Allele origin: unknown. Not counted in ClinVar's aggregate classification.
Comment: FinDis database variant: This variant was not found or characterized by our laboratory, data were collected from public sources: see reference
ClinVar note: Converted during submission from probable-pathogenic to Likely pathogenic.

Literature cited by the submitters: PubMed 17397051 (cited by Labcorp Genetics (formerly Invitae), Labcorp and Natera, Inc.); PubMed 31191208 (cited by Labcorp Genetics (formerly Invitae), Labcorp); PubMed 35587316 (cited by Labcorp Genetics (formerly Invitae), Labcorp and Natera, Inc.); PubMed 17576681 (cited by Labcorp Genetics (formerly Invitae), Labcorp); PubMed 9536098 (cited by Labcorp Genetics (formerly Invitae), Labcorp).